The following is an entry in ClinVar:

NM_138694.4(PKHD1):c.5761del (p.Ser1921fs)

Gene: PKHD1 (PKHD1 ciliary IPT domain containing fibrocystin/polyductin; minus strand). Cytogenetic location: 6p12.2.
Variant type: Deletion.
Coding change: c.5761del on transcript NM_138694.4 (MANE Select); coding-DNA position 5761, one base deleted (T; older notation c.5761delT).
Protein change: p.Ser1921fs; shifts the reading frame from serine 1921.
Molecular consequence: frameshift variant.
Genome position (GRCh38, 1-based): chr6:51,960,017, A deleted on the plus strand (T on the coding strand, the reverse complement: PKHD1 is on the minus strand); the first of 4 consecutive A bases (chr6:51,960,017-51,960,020); deleting any one gives the same sequence. VCF-style (leftmost placement, unchanged base first): chr6-51960016-GA-G. GRCh37 (hg19) VCF-style: chr6-51824814-GA-G.
Other names: c.5761del, p.Ser1921fs (NM_170724.3); c.5761del (NM_138694.3); short protein forms S1921fs.
Identifiers: ClinVar variation 3593882 (VCV003593882.2).

ClinVar aggregate classification (germline): Likely pathogenic. Review status: criteria provided, multiple submitters, no conflicts (2 of 4 stars). 2 submissions from 2 submitters: Likely pathogenic (2). Last evaluated 2025-06-20.

Conditions:
Polycystic kidney disease 4 (PKD4). Also called: Autosomal Recessive Polycystic Kidney Disease – PKHD1; PKD3; POLYCYSTIC KIDNEY AND HEPATIC DISEASE 1; POLYCYSTIC KIDNEY DISEASE, INFANTILE, TYPE I; POLYCYSTIC KIDNEY DISEASE 4 WITH OR WITHOUT POLYCYSTIC LIVER DISEASE. Identifiers: MedGen C4540575, MONDO:0033004, OMIM 263200.
Autosomal recessive polycystic kidney disease (ARPKD). Also called: AR polycystic kidney disease. Identifiers: Orphanet 731, Orphanet 8378, MedGen C0085548, MeSH D017044, MONDO:0009889.

Submissions (2):

Natera, Inc.
Classification: Likely pathogenic for Autosomal recessive polycystic kidney disease. Last evaluated: 2025-06-20. Review status: criteria provided, single submitter. Criteria: Natera Variant Classification Schema (03/2026). Collection method: clinical testing. Allele origin: germline.
Comment: The c.5761del variant in PKHD1 is a frameshift variant predicted to shift the reading frame beginning at codon 1921 and leads to a stop codon 53 codons downstream. This variant is expected to result in nonsense mediated decay, truncation, or a dysfunctional protein product. This variant is rare in the general population with a frequency below the threshold expected for the associated phenotype(s). Given the available evidence, this variant is classified as Likely Pathogenic.

Fulgent Genetics
Classification: Likely pathogenic for Polycystic kidney disease 4. Last evaluated: 2024-05-04. Review status: criteria provided, single submitter. Criteria: ACMG Guidelines, 2015. Collection method: clinical testing. Allele origin: germline.